The following is an entry in ClinVar:

NM_207122.2(EXT2):c.896G>T (p.Arg299Leu)

Gene: EXT2 (exostosin glycosyltransferase 2; plus strand). Cytogenetic location: 11p11.2.
Variant type: single nucleotide variant.
Coding change: c.896G>T on transcript NM_207122.2 (MANE Select); coding-DNA position 896, G replaced by T.
Protein change: p.Arg299Leu; replaces arginine 299 with leucine.
Molecular consequence: missense variant.
Genome position (GRCh38, 1-based): chr11:44,124,941, G>T. VCF-style: chr11-44124941-G-T. GRCh37 (hg19) VCF-style: chr11-44146491-G-T.
Other names: c.995G>T, p.Arg332Leu (NM_000401.3); c.896G>T, p.Arg299Leu (NM_001178083.3, NM_001389628.1, NM_001389630.1); short protein forms R299L, R332L.
Identifiers: ClinVar variation 4882608 (VCV004882608.2).

ClinVar aggregate classification (germline): Uncertain significance (1 of 4 stars; one submission).

Conditions:
Exostoses, multiple, type 2 (EXT2). Also called: Hereditary Multiple Osteochondromatosis, Type II; EXOSTOSES, MULTIPLE, TYPE II. Identifiers: Orphanet 321, MedGen C1851413, MONDO:0007586, OMIM 133701.

Submission:

Dasa
Classification: Uncertain significance for Exostoses, multiple, type 2. Last evaluated: 2026-01-02. Review status: criteria provided, single submitter. Criteria: DASA Assertion Criteria. Collection method: clinical testing. Allele origin: germline.
Comment: NM_207122.2(EXT2):c.896G>T (p.Arg299Leu) is a missense variant that results in the substitution of arginine with leucine. This variant is rare in population databases. Computational prediction algorithms are consistent with a deleterious effect. The currently available literature and clinical evidence are not sufficient to establish a definitive association between this variant and the reported condition. Therefore, this variant is classified as a variant of uncertain significance.